The following is an entry in ClinVar:

NM_000388.4(CASR):c.2135C>G (p.Thr712Ser)

Gene: CASR (calcium sensing receptor; plus strand). Cytogenetic location: 3q21.1.
Variant type: single nucleotide variant.
Coding change: c.2135C>G on transcript NM_000388.4 (MANE Select); coding-DNA position 2135, C replaced by G.
Protein change: p.Thr712Ser; replaces threonine 712 with serine.
Molecular consequence: missense variant.
Genome position (GRCh38, 1-based): chr3:122,284,089, C>G. VCF-style: chr3-122284089-C-G. GRCh37 (hg19) VCF-style: chr3-122002936-C-G.
Other names: c.2165C>G, p.Thr722Ser (NM_001178065.2); short protein forms T712S, T722S.
Identifiers: ClinVar variation 1047727 (VCV001047727.9), dbSNP rs746383651, ClinGen allele CA354158708.

ClinVar aggregate classification (germline): Uncertain significance (1 of 4 stars; one submission).

Conditions:
Familial hypocalciuric hypercalcemia (FHH). Also called: Familial benign hypercalcemia. Identifiers: Orphanet 405, MedGen C1809471, MONDO:0018458.
Autosomal dominant hypocalcemia 1 (HYPOC1). Also called: HYPOCALCEMIA, FAMILIAL. Identifiers: MedGen C3715128, MONDO:0011013, OMIM 601198.

Submission:

Labcorp Genetics (formerly Invitae), Labcorp
Classification: Uncertain significance for Familial hypocalciuric hypercalcemia; Autosomal dominant hypocalcemia 1. Last evaluated: 2020-06-09. Review status: criteria provided, single submitter. Criteria: Invitae Variant Classification Sherloc (09022015). Collection method: clinical testing. Allele origin: germline.
Comment: This variant has not been reported in the literature in individuals with CASR-related conditions. In summary, the available evidence is currently insufficient to determine the role of this variant in disease. Therefore, it has been classified as a Variant of Uncertain Significance. Algorithms developed to predict the effect of missense changes on protein structure and function (SIFT, PolyPhen-2, Align-GVGD) all suggest that this variant is likely to be disruptive, but these predictions have not been confirmed by published functional studies and their clinical significance is uncertain. This variant is not present in population databases (ExAC no frequency). This sequence change replaces threonine with serine at codon 712 of the CASR protein (p.Thr712Ser). The threonine residue is highly conserved and there is a small physicochemical difference between threonine and serine.